The following is an entry in ClinVar:

NM_000260.4(MYO7A):c.4760_4761insGAA (p.Ala1587_Glu1588insAsn)

Gene: MYO7A (myosin VIIA; plus strand). Cytogenetic location: 11q13.5.
Variant type: Insertion.
Coding change: c.4760_4761insGAA on transcript NM_000260.4 (MANE Select); coding-DNA positions 4760 to 4761, GAA inserted.
Protein change: p.Ala1587_Glu1588insAsn.
Molecular consequence: inframe insertion.
Genome position: GRCh38 VCF-style: chr11-77199726-C-CGAA. GRCh37 (hg19) VCF-style: chr11-76910771-C-CGAA.
Other names: c.4646_4647insGAA, p.Ala1549_Glu1550insAsn (NM_001127180.2); c.4613_4614insGAA, p.Ala1538_Glu1539insAsn (NM_001369365.1).
Identifiers: ClinVar variation 5004329 (VCV005004329.1).

ClinVar aggregate classification (germline): Uncertain significance (1 of 4 stars; one submission).

Conditions:
Usher syndrome type 1 (USH1). Also called: RETINITIS PIGMENTOSA AND CONGENITAL DEAFNESS. Identifiers: Orphanet 231169, Orphanet 886, MedGen C1568247, MONDO:0010168, OMIM 276900.

Submission:

Myriad Genetics, Inc.
Classification: Uncertain significance for Usher syndrome type 1. Last evaluated: 2025-12-12. Review status: criteria provided, single submitter. Criteria: Myriad Autosomal Dominant, Autosomal Recessive and X-Linked Classification Criteria (2023). Collection method: clinical testing. Allele origin: unknown.
Comment: NM_000260.3(MYO7A):c.4760_4761insGAA(A1587_E1588insN) is an in-frame insertion classified as a variant of uncertain significance in the context of MYO7A-related disorders. A1587_E1588insN has not been observed in cases with relevant disease. Relevant functional assessments of this variant are not available in the literature. A1587_E1588insN has not been observed in referenced population frequency databases. In summary, there is insufficient evidence to classify NM_000260.3(MYO7A):c.4760_4761insGAA(A1587_E1588insN) as pathogenic or benign. Please note: this variant was assessed in the context of healthy population screening.